The following is an entry in ClinVar:

ClinVar aggregate classification (germline): Uncertain significance. Review status: criteria provided, multiple submitters, no conflicts (2 of 4 stars). 3 submissions from 3 submitters: Uncertain significance (3). Last evaluated 2025-01-30.

Conditions:
ABCG8-related disorder. Also called: ABCG8-related condition.

Allele frequency attached by ClinVar (database versions not stated): ExAC 0.00002; TOPMed 0.00002; gnomAD exomes 0.00003 and 0.00004; gnomAD 0.00004.
gnomAD v4.1: 56 of 1,613,942 alleles (0.0035%); highest among the groups gnomAD compares: Non-Finnish European, 0.0035%; no homozygotes.

Submissions (3):

PreventionGenetics, part of Exact Sciences
Classification: Uncertain significance for ABCG8-related condition. Last evaluated: 2025-01-30. Review status: criteria provided, single submitter. Criteria: ACMG Guidelines, 2015. Collection method: clinical testing. Allele origin: germline.
Comment: The ABCG8 c.1269G>T variant is predicted to result in the amino acid substitution p.Glu423Asp. This variant was reported in the compound heterozygous state in an individual with sitosterolaemia and in the heterozygous state in an individual with familial hypercholesterolemia (Miettinen et al 2006. PubMed ID: 16472606; Reeskamp LF et al 2020. PubMed ID: 32088153). This variant was also reported in an individual with a hemostasis disorder (Table S3, Stefanucci et al. 2023. PubMed ID: 37647632). Another variant at the same residue, p.Glu423Lys, was reported in the compound heterozygous state in an individual with recurrent bursitis and tendosynovitis (Wadsack et al. 2018. PubMed ID: 30459115). This variant is reported in 0.028% of alleles in individuals of European (Finnish) descent in gnomAD. Although we suspect that this variant may be pathogenic, at this time, the clinical significance of this variant is uncertain due to the absence of conclusive functional and genetic evidence.

Blueprint Genetics
Classification: Uncertain significance. Last evaluated: 2022-06-22. Review status: criteria provided, single submitter. Criteria: ACMG Guidelines, 2015. Collection method: clinical testing. Allele origin: germline.

Labcorp Genetics (formerly Invitae), Labcorp
Classification: Uncertain significance. Last evaluated: 2021-09-25. Review status: criteria provided, single submitter. Criteria: Invitae Variant Classification Sherloc (09022015). Collection method: clinical testing. Allele origin: germline.
Comment: In summary, the available evidence is currently insufficient to determine the role of this variant in disease. Therefore, it has been classified as a Variant of Uncertain Significance. This variant disrupts the p.Glu423 amino acid residue in ABCG8. Other variant(s) that disrupt this residue have been observed in individuals with ABCG8-related conditions (PMID: 30459115), which suggests that this may be a clinically significant amino acid residue. Algorithms developed to predict the effect of missense changes on protein structure and function (SIFT, PolyPhen-2, Align-GVGD) all suggest that this variant is likely to be disruptive. This missense change has been observed in individual(s) with sitosterolemia (PMID: 16472606). This variant is present in population databases (rs762861929, ExAC 0.02%). This sequence change replaces glutamic acid with aspartic acid at codon 423 of the ABCG8 protein (p.Glu423Asp). The glutamic acid residue is highly conserved and there is a small physicochemical difference between glutamic acid and aspartic acid.

Literature cited by the submitters: PubMed 30459115 (cited by Labcorp Genetics (formerly Invitae), Labcorp); PubMed 16472606 (cited by Labcorp Genetics (formerly Invitae), Labcorp).

NM_022437.3(ABCG8):c.1269G>T (p.Glu423Asp)

Gene: ABCG8 (ATP binding cassette subfamily G member 8; plus strand). Cytogenetic location: 2p21.
Variant type: single nucleotide variant.
Coding change: c.1269G>T on transcript NM_022437.3 (MANE Select); coding-DNA position 1269, G replaced by T.
Protein change: p.Glu423Asp; replaces glutamic acid 423 with aspartic acid.
Molecular consequence: missense variant.
Genome position (GRCh38, 1-based): chr2:43,873,844, G>T. VCF-style: chr2-43873844-G-T. GRCh37 (hg19) VCF-style: chr2-44100983-G-T.
Other names: c.1266G>T, p.Glu422Asp (NM_001357321.2); c.1269G>T (NM_022437.2); short protein forms E422D, E423D.
Identifiers: ClinVar variation 999272 (VCV000999272.7), dbSNP rs762861929, ClinGen allele CA1637385.